The following is an entry in ClinVar:

NM_000352.6(ABCC8):c.221G>A (p.Arg74Gln)

Gene: ABCC8 (ATP binding cassette subfamily C member 8; minus strand). Cytogenetic location: 11p15.1.
Variant type: single nucleotide variant.
Coding change: c.221G>A on transcript NM_000352.6 (MANE Select); coding-DNA position 221, G replaced by A.
Protein change: p.Arg74Gln; replaces arginine 74 with glutamine.
Molecular consequence: missense variant. On other transcripts: non-coding transcript variant (1).
Genome position (GRCh38, 1-based): chr11:17,474,955, C>T on the plus strand (G>A on the coding strand, the complement: ABCC8 is on the minus strand). VCF-style: chr11-17474955-C-T. GRCh37 (hg19) VCF-style: chr11-17496502-C-T.
Other names: NM_000352.6(ABCC8):c.221G>A; p.Arg74Gln; c.221G>A, p.Arg74Gln (NM_001287174.3, NM_001351295.2, NM_001351296.2 and 1 more transcripts); short protein forms R74Q.
Identifiers: ClinVar variation 495834 (VCV000495834.28), dbSNP rs72559734, ClinGen allele CA5903946.

ClinVar aggregate classification (germline): Pathogenic/Likely pathogenic. Review status: criteria provided, multiple submitters, no conflicts (2 of 4 stars). 12 submissions from 11 submitters: Pathogenic (10); Likely pathogenic (1). 1 of the submissions does not count toward it. Last evaluated 2025-08-25.

Conditions:
Hereditary hyperinsulinism.
Type 2 diabetes mellitus. Also called: Type II diabetes mellitus. Identifiers: MedGen C0011860, MeSH D003924, MONDO:0005148, OMIM 125853, HP:0005978.
Permanent neonatal diabetes mellitus (PNDM). Identifiers: Orphanet 99885, MedGen C1833104, MONDO:0100164, MONDO:0011643. Disease mechanism: gain of function.
Hyperinsulinemic hypoglycemia, familial, 1 (HHF1). Also called: Persistent hyperinsulinemic hypoglycemia of infancy; Persistent Hyperinsulinemia Hypoglycemia of Infancy; NESIDIOBLASTOSIS OF PANCREAS; HYPERINSULINISM, FAMILIAL, WITH PANCREATIC NESIDIOBLASTOSIS; HYPOGLYCEMIA, HYPERINSULINEMIC, OF INFANCY. Identifiers: Orphanet 276575, Orphanet 276598, MedGen C2931832, MONDO:0009734, OMIM 256450.
Leucine-induced hypoglycemia (LIH). Also called: LEUCINE-SENSITIVE HYPOGLYCEMIA OF INFANCY. Identifiers: MedGen C0271714, MONDO:0009415, OMIM 240800.
Diabetes mellitus, transient neonatal, 2 (TNDM2). Identifiers: Orphanet 99886, MedGen C1835887, MONDO:0012480, OMIM 610374. Disease mechanism: loss of function.
Diabetes mellitus, permanent neonatal 3. Also called: ABCC8-Related Permanent Neonatal Diabetes Mellitus. Identifiers: MedGen C5394303, MONDO:0030088, OMIM 618857.
Familial hyperinsulinism. Also called: Congenital hyperinsulinism. Identifiers: Orphanet 276525, MedGen C3888018, MONDO:0017182. Disease mechanism: loss of function.

Allele frequency attached by ClinVar (database versions not stated): ExAC 0.00001; gnomAD 0.00001; TOPMed 0.00002.
gnomAD v4.1: 8 of 1,614,066 alleles (0.0005%); highest among the groups gnomAD compares: South Asian, 0.0033%; no homozygotes.

Submissions (12):

Natera, Inc.
Classification: Pathogenic for Hereditary hyperinsulinism. Last evaluated: 2025-08-25. Review status: criteria provided, single submitter. Criteria: Natera Variant Classification Schema (03/2026). Collection method: clinical testing. Allele origin: germline.
Comment: The c.221G>A variant in ABCC8 is a missense variant predicted to cause substitution of arginine to glutamine at amino acid 74. This variant is rare in the general population with a frequency below the threshold expected for the associated phenotype(s). This variant has been observed in one or more individuals affected with the associated recessive disease, as either homozygous or compound heterozygous with a second variant (PMID: 36239000, 23345197). Computational prediction algorithms indicate this variant is likely to affect gene or protein function. Given the available evidence, this variant is classified as Pathogenic.

GeneDx
Classification: Pathogenic. Last evaluated: 2025-08-15. Review status: criteria provided, single submitter. Criteria: GeneDx Variant Classification Process June 2021. Collection method: clinical testing. Allele origin: germline.
Comment: In silico analysis supports that this missense variant has a deleterious effect on protein structure/function; This variant is associated with the following publications: (PMID: 33046911, 34992182, 30352420, 9618169, 27810688, 23275527, 20685672, 21992908, 23345197, 38033998, 36239000, 39601258)

3billion
Classification: Likely pathogenic for Hyperinsulinemic hypoglycemia, familial, 1. Last evaluated: 2025-01-06. Review status: criteria provided, single submitter. Criteria: ACMG Guidelines, 2015. Collection method: clinical testing. Allele origin: germline. Affected: yes.
Comment: The variant is observed at an extremely low frequency in the gnomAD v4.1.0 dataset (total allele frequency: <0.001%). Predicted Consequence/Location: Missense variant In silico tool predictions suggest damaging effect of the variant on gene or gene product [REVEL: 0.90 (>=0.6, sensitivity 0.68 and specificity 0.92); 3Cnet: 0.80 (>=0.6, sensitivity 0.72 and precision 0.9)]. The same nucleotide change resulting in the same amino acid change has been previously reported as pathogenic/likely pathogenic with strong evidence (ClinVar ID: VCV000495834 /PMID: 9618169). A different missense change at the same codon (p.Arg74Trp) has been reported as pathogenic/likely pathogenic with strong evidence (ClinVar ID: VCV000371380 /PMID: 14692646). Therefore, this variant is classified as Likely pathogenic according to the recommendation of ACMG/AMP guideline.

Fulgent Genetics
Classification: Pathogenic for Type 2 diabetes mellitus; Leucine-induced hypoglycemia; Hyperinsulinemic hypoglycemia, familial, 1; Diabetes mellitus, transient neonatal, 2; Diabetes mellitus, permanent neonatal 3. Last evaluated: 2024-04-29. Review status: criteria provided, single submitter. Criteria: ACMG Guidelines, 2015. Collection method: clinical testing. Allele origin: germline.

Labcorp Genetics (formerly Invitae), Labcorp
Classification: Pathogenic. Last evaluated: 2024-02-14. Review status: criteria provided, single submitter. Criteria: Invitae Variant Classification Sherloc (09022015). Collection method: clinical testing. Allele origin: germline.
Comment: This sequence change replaces arginine, which is basic and polar, with glutamine, which is neutral and polar, at codon 74 of the ABCC8 protein (p.Arg74Gln). This variant is present in population databases (rs72559734, gnomAD 0.003%). This missense change has been observed in individual(s) with autosomal recessive familial hyperinsulinism (PMID: 21992908, 23345197). In at least one individual the data is consistent with being in trans (on the opposite chromosome) from a pathogenic variant. ClinVar contains an entry for this variant (Variation ID: 495834). Advanced modeling of protein sequence and biophysical properties (such as structural, functional, and spatial information, amino acid conservation, physicochemical variation, residue mobility, and thermodynamic stability) performed at Invitae indicates that this missense variant is expected to disrupt ABCC8 protein function with a positive predictive value of 80%. This variant disrupts the p.Arg74 amino acid residue in ABCC8. Other variant(s) that disrupt this residue have been determined to be pathogenic (PMID: 14692646, 16429405, 24645945, 25518065). This suggests that this residue is clinically significant, and that variants that disrupt this residue are likely to be disease-causing. For these reasons, this variant has been classified as Pathogenic.

Broad Center for Mendelian Genomics, Broad Institute of MIT and Harvard
Classification: Pathogenic for Hyperinsulinemic hypoglycemia, familial, 1. Last evaluated: 2023-08-16. Review status: criteria provided, single submitter. Criteria: ACMG Guidelines, 2015. Collection method: curation. Allele origin: germline. Inheritance: Autosomal recessive inheritance.
Comment: The p.Arg74Gln variant in ABCC8 has been reported in >10 individuals with hyperinsulinemic hypoglycemia (PMID: 9618169, 10338089, 10828824, 20685672, 23275527, 23345197, 28701683, 30352420, 36239000), and has been identified in 0.003% (1/30616) of South Asian chromosomes by the Genome Aggregation Database (gnomAD; dbSNP rs72559734). Although this variant has been seen in the general population in a heterozygous state, its frequency is low enough to be consistent with a recessive carrier frequency. This variant has also been reported in ClinVar (Variation ID: 495834) and has been interpreted as pathogenic by multiple sources. Of the many affected individuals, at least 5 were compound heterozygotes that carried a reported pathogenic variant in trans, and at least 1 was a homozygote, which increases the likelihood that the p.Arg74Gln variant is pathogenic (Variation ID: 9088, 188915, 210074, 188931; PMID: 23275527, 23345197, 30352420, 36239000). Computational prediction tools and conservation analyses suggest that this variant may impact the protein, though this information is not predictive enough to determine pathogenicity. In summary, this variant meets criteria to be classified as pathogenic for autosomal recessive hyperinsulinemic hypoglycemia. ACMG/AMP Criteria applied: PM3_very_strong, PM2_supporting, PP3 (Richards 2015).

Baylor Genetics
Classification: Pathogenic for Type 2 diabetes mellitus. Last evaluated: 2023-06-14. Review status: criteria provided, single submitter. Criteria: ACMG Guidelines, 2015. Collection method: clinical testing. Allele origin: unknown.

Athena Diagnostics
Classification: Pathogenic. Last evaluated: 2022-07-15. Review status: criteria provided, single submitter. Criteria: Athena Diagnostics Criteria. Collection method: clinical testing. Allele origin: unknown.
Comment: The frequency of this variant in the general population is consistent with pathogenicity. This variant has been identified in multiple unrelated individuals with congenital hyperinsulinism. This variant is statistically more frequent in affected individuals than in the general population and/or healthy controls. Computational tools predict that this variant is damaging.

Fulgent Genetics
Classification: Pathogenic for Type 2 diabetes mellitus; Leucine-induced hypoglycemia; Hyperinsulinemic hypoglycemia, familial, 1; Permanent neonatal diabetes mellitus 1; Diabetes mellitus, transient neonatal, 2. Last evaluated: 2018-10-31. Review status: criteria provided, single submitter. Criteria: ACMG Guidelines, 2015. Collection method: clinical testing. Allele origin: unknown.

Genetic Services Laboratory, University of Chicago
Classification: Pathogenic. Last evaluated: 2018-05-21. Review status: criteria provided, single submitter. Criteria: ACMG Guidelines, 2015. Collection method: clinical testing. Allele origin: germline. Affected: yes.

Women's Health and Genetics/Laboratory Corporation of America, LabCorp
Classification: Pathogenic for Familial hyperinsulinism. Last evaluated: 2017-07-27. Review status: criteria provided, single submitter. Criteria: LabCorp Variant Classification Summary - May 2015. Collection method: clinical testing. Allele origin: germline.
Comment: Variant summary: The ABCC8 c.221G>A (p.Arg74Gln) variant involves the alteration of a conserved nucleotide. 3/4 in silico tools predict a damaging outcome for this variant (SNPsandGO not captured due to low reliability index). This variant was found at a low frequency in the control population (1/121894 control chromosomes). The variant was reported in the literature in multiple patients with congenital hyperinsulinemia (CHI) both in the homozgous and compound heterozygous states. Taken together, this variant is classified as pathogenic.

Counsyl
Classification: Likely pathogenic for Hyperinsulinemic hypoglycemia, familial, 1. Last evaluated: 2019-02-26. Review status: no assertion criteria provided. Collection method: clinical testing. Allele origin: unknown. Not counted in ClinVar's aggregate classification.

Literature cited by the submitters: PubMed 36239000 (cited by Natera, Inc.); PubMed 23345197 (cited by 5 submitters); PubMed 9618169 (cited by 4 submitters); PubMed 14692646 (cited by 3billion and Labcorp Genetics (formerly Invitae), Labcorp); PubMed 21992908 (cited by 3 submitters); PubMed 16429405 (cited by Labcorp Genetics (formerly Invitae), Labcorp); PubMed 24645945 (cited by Labcorp Genetics (formerly Invitae), Labcorp); PubMed 25518065 (cited by Labcorp Genetics (formerly Invitae), Labcorp); PubMed 20685672 (cited by 3 submitters); PubMed 23275527 (cited by 3 submitters); PubMed 27810688 (cited by Athena Diagnostics and Counsyl); PubMed 33046911 (cited by Athena Diagnostics); PubMed 30352420 (cited by Athena Diagnostics).